The following is an entry in ClinVar:

ClinVar aggregate classification (germline): Conflicting classifications of pathogenicity. Review status: criteria provided, conflicting classifications (1 of 4 stars). 3 submissions from 2 submitters: Uncertain significance (1); Likely benign (2). Last evaluated 2023-01-01.

Conditions:
Meckel syndrome, type 2 (MKS2). Also called: MKS2-Related Meckel Syndrome; MECKEL-GRUBER SYNDROME, TYPE 2. Identifiers: Orphanet 564, MedGen C1864148, MONDO:0011296, OMIM 603194.
Joubert syndrome 2 (JBTS2). Also called: CEREBELLOOCULORENAL SYNDROME 2. Identifiers: Orphanet 2318, MedGen C1842577, MONDO:0011963, OMIM 608091.

Allele frequency attached by ClinVar (database versions not stated): gnomAD 0.00014 and 0.00054; gnomAD exomes 0.00075; 1000 Genomes Project 0.00459; TOPMed 0.00023; 1000 Genomes Project 30x 0.00453.

Submissions (3):

CeGaT Center for Human Genetics Tuebingen
Classification: Likely benign. Last evaluated: 2023-01-01. Review status: criteria provided, single submitter. Criteria: CeGaT Center For Human Genetics Tuebingen Variant Classification Criteria Version 2. Collection method: clinical testing. Allele origin: germline. Affected: yes. Observed: 1 variant allele.
Comment: TMEM216: BS1

Illumina Laboratory Services, Illumina
Classification: Uncertain significance for Meckel syndrome, type 2. Last evaluated: 2018-01-13. Review status: criteria provided, single submitter. Criteria: ICSL Variant Classification Criteria 13 December 2019. Collection method: clinical testing. Allele origin: germline.

Illumina Laboratory Services, Illumina
Classification: Likely benign for Joubert syndrome 2. Last evaluated: 2018-01-13. Review status: criteria provided, single submitter. Criteria: ICSL Variant Classification Criteria 13 December 2019. Collection method: clinical testing. Allele origin: germline.
Comment: This variant was observed in the ICSL laboratory as part of a predisposition screen in an ostensibly healthy population. It had not been previously curated by ICSL or reported in the Human Gene Mutation Database (HGMD: prior to June 1st, 2018), and was therefore a candidate for classification through an automated scoring system. Utilizing variant allele frequency, disease prevalence and penetrance estimates, and inheritance mode, an automated score was calculated to assess if this variant is too frequent to cause the disease. Based on the score and internal cut-off values, a variant classified as likely benign is not then subjected to further curation. The score for this variant resulted in a classification of likely benign for this disease.

NM_001173990.2(TMEM216):c.-86G>A

Gene: TMEM216 (transmembrane protein 216; plus strand). Cytogenetic location: 11q12.2.
Variant type: single nucleotide variant.
Coding change: c.-86G>A on transcript NM_001173990.2; 86 bases upstream of the start codon, G replaced by A.
Genome position (GRCh38, 1-based): chr11:61,392,546, G>A. VCF-style: chr11-61392546-G-A. GRCh37 (hg19) VCF-style: chr11-61160018-G-A.
Identifiers: ClinVar variation 878887 (VCV000878887.28), dbSNP rs188478638, ClinGen allele CA222894325.